The following is an entry in ClinVar:

ClinVar aggregate classification (germline): Uncertain significance (1 of 4 stars; one submission).

Conditions:
ALG6-congenital disorder of glycosylation 1C (CDG1C). Also called: CDG Ic; Congenital disorder of glycosylation, type Ic; CARBOHYDRATE-DEFICIENT GLYCOPROTEIN SYNDROME, TYPE I, WITH DEFICIENT GLYCOSYLATION OF DOLICHOL-LINKED OLIGOSACCHARIDE; CARBOHYDRATE-DEFICIENT GLYCOPROTEIN SYNDROME, TYPE V; Congenital disorder of glycosylation type 1C. Identifiers: Orphanet 79320, MedGen C2930997, MONDO:0011291, OMIM 603147.

Allele frequency attached by ClinVar (database versions not stated): TOPMed below 0.00001; gnomAD 0.00001.

Submission:

Labcorp Genetics (formerly Invitae), Labcorp
Classification: Uncertain significance for ALG6-congenital disorder of glycosylation 1C. Last evaluated: 2022-05-14. Review status: criteria provided, single submitter. Criteria: Invitae Variant Classification Sherloc (09022015). Collection method: clinical testing. Allele origin: germline.
Comment: In summary, the available evidence is currently insufficient to determine the role of this variant in disease. Therefore, it has been classified as a Variant of Uncertain Significance. This sequence change replaces leucine, which is neutral and non-polar, with glutamine, which is neutral and polar, at codon 15 of the ALG6 protein (p.Leu15Gln). This variant is not present in population databases (gnomAD no frequency). This variant has not been reported in the literature in individuals affected with ALG6-related conditions. Algorithms developed to predict the effect of missense changes on protein structure and function (SIFT, PolyPhen-2, Align-GVGD) all suggest that this variant is likely to be disruptive.

NM_013339.4(ALG6):c.44T>A (p.Leu15Gln)

Gene: ALG6 (ALG6 alpha-1,3-glucosyltransferase; plus strand). Cytogenetic location: 1p31.3.
Variant type: single nucleotide variant.
Coding change: c.44T>A on transcript NM_013339.4 (MANE Select); coding-DNA position 44, T replaced by A.
Protein change: p.Leu15Gln; replaces leucine 15 with glutamine.
Molecular consequence: missense variant.
Genome position (GRCh38, 1-based): chr1:63,371,021, T>A. VCF-style: chr1-63371021-T-A. GRCh37 (hg19) VCF-style: chr1-63836692-T-A.
Other names: short protein forms L15Q.
Identifiers: ClinVar variation 2064793 (VCV002064793.2), dbSNP rs1647907578, ClinGen allele CA340636882.